The following is an entry in ClinVar:

ClinVar aggregate classification (germline): Uncertain significance (1 of 4 stars; one submission).

Submission:

Labcorp Genetics (formerly Invitae), Labcorp
Classification: Uncertain significance. Last evaluated: 2022-05-15. Review status: criteria provided, single submitter. Criteria: Invitae Variant Classification Sherloc (09022015). Collection method: clinical testing. Allele origin: germline.
Comment: In summary, the available evidence is currently insufficient to determine the role of this variant in disease. Therefore, it has been classified as a Variant of Uncertain Significance. Advanced modeling of protein sequence and biophysical properties (such as structural, functional, and spatial information, amino acid conservation, physicochemical variation, residue mobility, and thermodynamic stability) performed at Invitae indicates that this missense variant is not expected to disrupt OCA2 protein function. This variant has not been reported in the literature in individuals affected with OCA2-related conditions. This variant is not present in population databases (gnomAD no frequency). This sequence change replaces glutamic acid, which is acidic and polar, with lysine, which is basic and polar, at codon 760 of the OCA2 protein (p.Glu760Lys).

NM_000275.3(OCA2):c.2278G>A (p.Glu760Lys)

Gene: OCA2 (OCA2 melanosomal transmembrane protein; minus strand). Cytogenetic location: 15q13.1.
Variant type: single nucleotide variant.
Coding change: c.2278G>A on transcript NM_000275.3 (MANE Select); coding-DNA position 2278, G replaced by A.
Protein change: p.Glu760Lys; replaces glutamic acid 760 with lysine.
Molecular consequence: missense variant.
Genome position (GRCh38, 1-based): chr15:27,851,442, C>T on the plus strand (G>A on the coding strand, the complement: OCA2 is on the minus strand). VCF-style: chr15-27851442-C-T. GRCh37 (hg19) VCF-style: chr15-28096588-C-T.
Other names: c.2206G>A, p.Glu736Lys (NM_001300984.2); short protein forms E760K, E736K.
Identifiers: ClinVar variation 1957596 (VCV001957596.5), dbSNP rs2505280882, ClinGen allele CA391360142.